The following is an entry in ClinVar:

ClinVar aggregate classification (germline): Uncertain significance. Review status: criteria provided, multiple submitters, no conflicts (2 of 4 stars). 3 submissions from 3 submitters: Uncertain significance (3). Last evaluated 2025-09-23.

Conditions:
Dermatofibrosis lenticularis disseminata (BOS). Also called: DERMATOFIBROSIS LENTICULARIS DISSEMINATA WITH OSTEOPOIKILOSIS; DERMATOOSTEOPOIKILOSIS; OSTEOPATHIA CONDENSANS DISSEMINATA. Identifiers: Orphanet 1306, MedGen C0265514, MONDO:0008157, OMIM 166700.
Inborn genetic diseases. Identifiers: MedGen C0950123, MeSH D030342.

Allele frequency attached by ClinVar (database versions not stated): gnomAD exomes 0.00001 and 0.00002; gnomAD 0.00003 and 0.00004; TOPMed 0.00003.
gnomAD v4.1: 18 of 1,465,774 alleles (0.0012%); highest among the groups gnomAD compares: East Asian, 0.0026%; no homozygotes.

Submissions (3):

Labcorp Genetics (formerly Invitae), Labcorp
Classification: Uncertain significance. Last evaluated: 2025-09-23. Review status: criteria provided, single submitter. Criteria: Invitae Variant Classification Sherloc (09022015). Collection method: clinical testing. Allele origin: germline.
Comment: This sequence change replaces alanine, which is neutral and non-polar, with valine, which is neutral and non-polar, at codon 127 of the LEMD3 protein (p.Ala127Val). The frequency data for this variant in the population databases is considered unreliable, as metrics indicate poor data quality at this position in the gnomAD database. This variant has not been reported in the literature in individuals affected with LEMD3-related conditions. ClinVar contains an entry for this variant (Variation ID: 310223). An algorithm developed to predict the effect of missense changes on protein structure and function (PolyPhen-2) suggests that this variant is likely to be tolerated. In summary, the available evidence is currently insufficient to determine the role of this variant in disease. Therefore, it has been classified as a Variant of Uncertain Significance.

Ambry Genetics
Classification: Uncertain significance for Inborn genetic diseases. Last evaluated: 2024-10-16. Review status: criteria provided, single submitter. Criteria: Ambry Variant Classification Scheme 2023. Collection method: clinical testing. Allele origin: germline.

Illumina Laboratory Services, Illumina
Classification: Uncertain significance for Dermatofibrosis lenticularis disseminata. Last evaluated: 2018-01-13. Review status: criteria provided, single submitter. Criteria: ICSL Variant Classification Criteria 13 December 2019. Collection method: clinical testing. Allele origin: germline.

NM_014319.5(LEMD3):c.380C>T (p.Ala127Val)

Genes: LEMD3 (LEM domain containing 3; plus strand), LOC130008224 (ATAC-STARR-seq lymphoblastoid silent region 4630; plus strand). Cytogenetic location: 12q14.3.
Variant type: single nucleotide variant.
Coding change: c.380C>T on transcript NM_014319.5 (MANE Select); coding-DNA position 380, C replaced by T.
Protein change: p.Ala127Val; replaces alanine 127 with valine.
Molecular consequence: missense variant.
Genome position (GRCh38, 1-based): chr12:65,169,976, C>T. VCF-style: chr12-65169976-C-T. GRCh37 (hg19) VCF-style: chr12-65563756-C-T.
Other names: c.380C>T, p.Ala127Val (NM_001167614.2); short protein forms A127V.
Identifiers: ClinVar variation 310223 (VCV000310223.14), dbSNP rs886049775, ClinGen allele CA10638383.